The following is an entry in ClinVar:

NM_206933.4(USH2A):c.7475C>T (p.Ser2492Leu)

Gene: USH2A (usherin; minus strand). Cytogenetic location: 1q41.
Variant type: single nucleotide variant.
Coding change: c.7475C>T on transcript NM_206933.4 (MANE Select); coding-DNA position 7475, C replaced by T.
Protein change: p.Ser2492Leu; replaces serine 2492 with leucine.
Molecular consequence: missense variant.
Genome position (GRCh38, 1-based): chr1:215,900,194, G>A on the plus strand (C>T on the coding strand, the complement: USH2A is on the minus strand). VCF-style: chr1-215900194-G-A. GRCh37 (hg19) VCF-style: chr1-216073536-G-A.
Other names: short protein forms S2492L.
Identifiers: ClinVar variation 286836 (VCV000286836.20), dbSNP rs483353056, ClinGen allele CA1394829.

ClinVar aggregate classification (germline): Conflicting classifications of pathogenicity. Review status: criteria provided, conflicting classifications (1 of 4 stars). 10 submissions from 10 submitters: Likely pathogenic (1); Uncertain significance (6). 3 of the submissions do not count toward it. Last evaluated 2026-04-15.

Conditions:
USH2A-related disorder. Also called: USH2A-related disorders; USH2A-related condition. Identifiers: MedGen CN239332.
Usher syndrome type 2A. Also called: RETINAL DISEASE IN USHER SYNDROME TYPE IIA, MODIFIER OF; USHER SYNDROME, TYPE IIA. Identifiers: Orphanet 231178, Orphanet 886, MedGen C1848634, MONDO:0010169, OMIM 276901.
Retinitis pigmentosa 39 (RP39). Identifiers: Orphanet 791, MedGen C3151138, MONDO:0013436, OMIM 613809.
Retinitis pigmentosa (RP). Identifiers: Orphanet 791, MedGen C0035334, MeSH D012174, MONDO:0019200, OMIM 268000. Inheritance: Autosomal dominant, autosomal recessive and X linked inheritance.

Allele frequency attached by ClinVar (database versions not stated): gnomAD 0.00006; TOPMed 0.00007; ExAC 0.00001; gnomAD exomes 0.00002.
gnomAD v4.1: 124 of 1,613,402 alleles (0.0077%); highest among the groups gnomAD compares: Non-Finnish European, 0.0098%; no homozygotes.

Submissions (10):

PreventionGenetics, part of Exact Sciences
Classification: Uncertain significance for USH2A-related condition. Last evaluated: 2026-04-15. Review status: criteria provided, single submitter. Criteria: ACMG Guidelines, 2015. Collection method: clinical testing. Allele origin: germline.
Comment: The USH2A c.7475C>T variant is predicted to result in the amino acid substitution p.Ser2492Leu. This variant has been reported in individuals with USH2A-related disease (Table S1, Hufnagel et al. 2022. PubMed ID: 35266249; Peart et al. 2023. PubMed ID: 37996878; Table S1, Lin et al. 2024. PubMed ID: 38219857). This variant is reported in 0.0050% of alleles in individuals of East Asian descent in gnomAD. Although we suspect this variant may be pathogenic, at this time, the clinical significance of this variant is uncertain due to the absence of conclusive functional and genetic evidence.

Women's Health and Genetics/Laboratory Corporation of America, LabCorp
Classification: Uncertain significance. Last evaluated: 2026-01-05. Review status: criteria provided, single submitter. Criteria: LabCorp Variant Classification Summary - May 2015. Collection method: clinical testing. Allele origin: germline.
Comment: Variant summary: USH2A c.7475C>T (p.Ser2492Leu) results in a non-conservative amino acid change in the encoded protein sequence. Algorithms developed to predict the effect of missense changes on protein structure and function are either unavailable or do not agree on the potential impact of this missense change. The variant allele was found at a frequency of 1.6e-05 in 250572 control chromosomes. The available data on variant occurrences in the general population are insufficient to allow any conclusion about variant significance. c.7475C>T has been observed in the presumed compound heterozygous or multiply heterozygous state in several individual(s) affected with Usher Syndrome, nonsyndromic deafness, or nonsyndromic inherited retinal disease (example, Zhu_2021, Peart_2023, Feenstra_2022, Carss_2017, Lin_2024, Hufnagel_2022, Yan_2025), without strong evidence for causality. These data do not allow any conclusion about variant significance. To our knowledge, no experimental evidence demonstrating an impact on protein function has been reported. The following publications have been ascertained in the context of this evaluation (PMID: 32675063, 37996878, 36011334, 35243413, 28041643, 34426522, 31964843, 38219857, 35266249, 39182490). ClinVar contains an entry for this variant (Variation ID: 286836). Based on the evidence outlined above, the variant was classified as uncertain significance.

Blueprint Genetics
Classification: Uncertain significance. Last evaluated: 2024-05-14. Review status: criteria provided, single submitter. Criteria: ACMG Guidelines, 2015. Collection method: clinical testing. Allele origin: germline.

GeneDx
Classification: Likely pathogenic. Last evaluated: 2022-11-21. Review status: criteria provided, single submitter. Criteria: GeneDx Variant Classification Process June 2021. Collection method: clinical testing. Allele origin: germline. Affected: yes.
Comment: Not observed at a significant frequency in large population cohorts (gnomAD); In silico analysis supports that this missense variant has a deleterious effect on protein structure/function; This variant is associated with the following publications: (PMID: 28041643, 34426522, 32675063, 35266249)

Labcorp Genetics (formerly Invitae), Labcorp
Classification: Uncertain significance. Last evaluated: 2022-06-10. Review status: criteria provided, single submitter. Criteria: Invitae Variant Classification Sherloc (09022015). Collection method: clinical testing. Allele origin: germline.
Comment: This sequence change replaces serine, which is neutral and polar, with leucine, which is neutral and non-polar, at codon 2492 of the USH2A protein (p.Ser2492Leu). This variant is present in population databases (rs483353056, gnomAD 0.005%). This missense change has been observed in individual(s) with retinitis pigmentosa (PMID: 28041643). ClinVar contains an entry for this variant (Variation ID: 286836). Algorithms developed to predict the effect of missense changes on protein structure and function output the following: SIFT: "Tolerated"; PolyPhen-2: "Benign"; Align-GVGD: "Class C0". The leucine amino acid residue is found in multiple mammalian species, which suggests that this missense change does not adversely affect protein function. In summary, the available evidence is currently insufficient to determine the role of this variant in disease. Therefore, it has been classified as a Variant of Uncertain Significance.

Laboratory for Molecular Medicine, Mass General Brigham Personalized Medicine
Classification: Uncertain significance. Last evaluated: 2018-10-23. Review status: criteria provided, single submitter. Criteria: LMM Criteria. Collection method: clinical testing. Allele origin: germline. Observed: 1 variant allele.
Comment: Variant classified as Uncertain Significance - Favor Benign. The p.Ser2492Leu va riant in USH2A has been reported in 1 individual with retinitis pigmentosa who a lso harbored the p.Glu767fs pathogenic variant; however, the phasing of these va riants was not determined (Carss 2017). This variant has also been identified in 0.005% (1/19894) of East Asian chromosomes and 0.003% (4/128566) of European ch romosomes by gnomAD. Serine (Ser) at position 2492 is poorly conserved across species, with three mammals (rat, naked mole ra t, and Bactrian camel) carrying a leucine (Leu) at this position. In addition, c omputational prediction tools and conservation analysis suggest that this varian t may not impact the protein, though this information is not predictive enough t o rule out pathogenicity. In summary, although the clinical significance of the p.Ser2492Leu variant is uncertain, the lack of conservation suggests it is more likely to be benign. ACMG/AMP Criteria applied: PM2, PM3_Supporting, BP4_Strong.

Eurofins Ntd Llc (ga)
Classification: Uncertain significance. Last evaluated: 2016-03-16. Review status: criteria provided, single submitter. Criteria: EGL Classification Definitions 2015. Collection method: clinical testing. Allele origin: germline. Observed: 3 variant alleles, 3 heterozygotes.

Natera, Inc.
Classification: Uncertain significance for Usher syndrome type 2A. Last evaluated: 2020-09-16. Review status: no assertion criteria provided. Collection method: clinical testing. Allele origin: germline. Not counted in ClinVar's aggregate classification.

Counsyl
Classification: Uncertain significance for Usher syndrome type 2A; Retinitis pigmentosa 39. Last evaluated: 2017-11-20. Review status: no assertion criteria provided. Collection method: clinical testing. Allele origin: unknown. Not counted in ClinVar's aggregate classification.

NIHR Bioresource Rare Diseases, University of Cambridge
Classification: Uncertain significance for Retinitis pigmentosa. Last evaluated: 2015-01-01. Review status: no assertion criteria provided. Collection method: research. Allele origin: unknown. Affected: yes. Observed: 1 variant allele. Not counted in ClinVar's aggregate classification.

Literature cited by the submitters: PubMed 28041643 (cited by 5 submitters); PubMed 32675063 (cited by Women's Health and Genetics/Laboratory Corporation of America, LabCorp); PubMed 34426522 (cited by Women's Health and Genetics/Laboratory Corporation of America, LabCorp); PubMed 35266249 (cited by Women's Health and Genetics/Laboratory Corporation of America, LabCorp); PubMed 31964843 (cited by Women's Health and Genetics/Laboratory Corporation of America, LabCorp); PubMed 36011334 (cited by Women's Health and Genetics/Laboratory Corporation of America, LabCorp); PubMed 38219857 (cited by Women's Health and Genetics/Laboratory Corporation of America, LabCorp); PubMed 37996878 (cited by Women's Health and Genetics/Laboratory Corporation of America, LabCorp); PubMed 39182490 (cited by Women's Health and Genetics/Laboratory Corporation of America, LabCorp); PubMed 35243413 (cited by Women's Health and Genetics/Laboratory Corporation of America, LabCorp).